The following is an entry in ClinVar:

ClinVar aggregate classification (germline): Uncertain significance (1 of 4 stars; one submission).

Conditions:
Birt-Hogg-Dube syndrome. Also called: Birt Hogg Dubé syndrome. Identifiers: Orphanet 122, MedGen C0346010, MONDO:0800444.

Submission:

Labcorp Genetics (formerly Invitae), Labcorp
Classification: Uncertain significance for Birt-Hogg-Dube syndrome. Last evaluated: 2022-11-10. Review status: criteria provided, single submitter. Criteria: Invitae Variant Classification Sherloc (09022015). Collection method: clinical testing. Allele origin: germline.
Comment: This sequence change replaces proline, which is neutral and non-polar, with threonine, which is neutral and polar, at codon 74 of the FLCN protein (p.Pro74Thr). This variant is not present in population databases (gnomAD no frequency). This variant has not been reported in the literature in individuals affected with FLCN-related conditions. Advanced modeling of protein sequence and biophysical properties (such as structural, functional, and spatial information, amino acid conservation, physicochemical variation, residue mobility, and thermodynamic stability) performed at Invitae indicates that this missense variant is not expected to disrupt FLCN protein function. In summary, the available evidence is currently insufficient to determine the role of this variant in disease. Therefore, it has been classified as a Variant of Uncertain Significance.

NM_144997.7(FLCN):c.220C>A (p.Pro74Thr)

Gene: FLCN (folliculin; minus strand). Cytogenetic location: 17p11.2.
Variant type: single nucleotide variant.
Coding change: c.220C>A on transcript NM_144997.7 (MANE Select); coding-DNA position 220, C replaced by A.
Protein change: p.Pro74Thr; replaces proline 74 with threonine.
Molecular consequence: missense variant.
Genome position (GRCh38, 1-based): chr17:17,227,918, G>T on the plus strand (C>A on the coding strand, the complement: FLCN is on the minus strand). VCF-style: chr17-17227918-G-T. GRCh37 (hg19) VCF-style: chr17-17131232-G-T.
Other names: c.220C>A, p.Pro74Thr (NM_001353229.2, NM_001353230.2, NM_001353231.2 and 1 more transcripts); short protein forms P74T.
Identifiers: ClinVar variation 3004139 (VCV003004139.3), dbSNP rs1432861054, ClinGen allele CA398535074.